The following is an entry in ClinVar:

NM_014806.5(RUSC2):c.1276A>C (p.Lys426Gln)

Gene: RUSC2 (RUN and SH3 domain containing 2; plus strand). Cytogenetic location: 9p13.3.
Variant type: single nucleotide variant.
Coding change: c.1276A>C on transcript NM_014806.5 (MANE Select); coding-DNA position 1276, A replaced by C.
Protein change: p.Lys426Gln; replaces lysine 426 with glutamine.
Molecular consequence: missense variant. On other transcripts: non-coding transcript variant (1), intron variant (1).
Genome position (GRCh38, 1-based): chr9:35,547,797, A>C. VCF-style: chr9-35547797-A-C. GRCh37 (hg19) VCF-style: chr9-35547794-A-C.
Other names: c.1276A>C, p.Lys426Gln (NM_001135999.2); c.-620-7263A>C (NM_001330740.2); short protein forms K426Q.
Identifiers: ClinVar variation 1481309 (VCV001481309.6), dbSNP rs759667346, ClinGen allele CA5043607.

ClinVar aggregate classification (germline): Uncertain significance (1 of 4 stars; one submission).

Allele frequency attached by ClinVar (database versions not stated): ExAC 0.00001; gnomAD 0.00001; gnomAD exomes 0.00001; TOPMed 0.00003.
gnomAD v4.1: 11 of 1,613,996 alleles (0.00068%); highest among the groups gnomAD compares: African/African-American, 0.0013%; no homozygotes.

Submission:

Labcorp Genetics (formerly Invitae), Labcorp
Classification: Uncertain significance. Last evaluated: 2023-12-02. Review status: criteria provided, single submitter. Criteria: Invitae Variant Classification Sherloc (09022015). Collection method: clinical testing. Allele origin: germline.
Comment: This sequence change replaces lysine, which is basic and polar, with glutamine, which is neutral and polar, at codon 426 of the RUSC2 protein (p.Lys426Gln). This variant is present in population databases (rs759667346, gnomAD 0.004%). This variant has not been reported in the literature in individuals affected with RUSC2-related conditions. ClinVar contains an entry for this variant (Variation ID: 1481309). An algorithm developed to predict the effect of missense changes on protein structure and function (PolyPhen-2) suggests that this variant is likely to be disruptive. In summary, the available evidence is currently insufficient to determine the role of this variant in disease. Therefore, it has been classified as a Variant of Uncertain Significance.